The following is an entry in ClinVar:

NM_007194.4(CHEK2):c.578T>C (p.Leu193Pro)

Gene: CHEK2 (checkpoint kinase 2; minus strand). Cytogenetic location: 22q12.1.
Variant type: single nucleotide variant.
Coding change: c.578T>C on transcript NM_007194.4 (MANE Select); coding-DNA position 578, T replaced by C.
Protein change: p.Leu193Pro; replaces leucine 193 with proline.
Molecular consequence: missense variant. On other transcripts: 5 prime UTR variant (2), intron variant (1).
Genome position (GRCh38, 1-based): chr22:28,724,991, A>G on the plus strand (T>C on the coding strand, the complement: CHEK2 is on the minus strand). VCF-style: chr22-28724991-A-G. GRCh37 (hg19) VCF-style: chr22-29120979-A-G.
Other names: c.707T>C, p.Leu236Pro (NM_001005735.3, NM_001438294.1); c.-200T>C (NM_001257387.3); c.-86T>C (NM_001437942.1); c.671T>C, p.Leu224Pro (NM_001438293.1, NM_001438295.1); c.578T>C, p.Leu193Pro (NM_145862.3); c.445-68T>C (NM_001349956.3); short protein forms L193P, L236P, L224P.
Identifiers: ClinVar variation 216647 (VCV000216647.29), dbSNP rs766599514, ClinGen allele CA338758.

ClinVar aggregate classification (germline): Uncertain significance. Review status: criteria provided, multiple submitters, no conflicts (2 of 4 stars). 6 submissions from 6 submitters: Uncertain significance (6). Last evaluated 2025-11-09.

Conditions:
Hereditary cancer-predisposing syndrome. Also called: Neoplastic Syndromes, Hereditary; Tumor predisposition; Hereditary Cancer Syndrome; Hereditary neoplastic syndrome. Identifiers: Orphanet 140162, MedGen C0027672, MeSH D009386, MONDO:0015356.
Breast and/or ovarian cancer. Identifiers: MedGen CN221562.
Familial cancer of breast. Also called: BREAST CANCER, FAMILIAL; Hereditary breast cancer; hereditary breast carcinoma. Identifiers: Orphanet 227535, MedGen C0346153, MONDO:0016419, OMIM 114480. Disease mechanism: loss of function.

Allele frequency attached by ClinVar (database versions not stated): gnomAD exomes below 0.00001 and 0.00001; ExAC 0.00002.
gnomAD v4.1: 6 of 1,613,978 alleles (0.00037%); highest among the groups gnomAD compares: South Asian, 0.0044%; no homozygotes.

Submissions (6):

Labcorp Genetics (formerly Invitae), Labcorp
Classification: Uncertain significance for Familial cancer of breast. Last evaluated: 2025-11-09. Review status: criteria provided, single submitter. Criteria: Invitae Variant Classification Sherloc (09022015). Collection method: clinical testing. Allele origin: germline.
Comment: This sequence change replaces leucine, which is neutral and non-polar, with proline, which is neutral and non-polar, at codon 193 of the CHEK2 protein (p.Leu193Pro). This variant is present in population databases (rs766599514, gnomAD 0.006%). This missense change has been observed in individual(s) with breast and/or ovarian cancer (PMID: 29522266). ClinVar contains an entry for this variant (Variation ID: 216647). An algorithm developed to predict the effect of missense changes on protein structure and function (PolyPhen-2) suggests that this variant is likely to be disruptive. In summary, the available evidence is currently insufficient to determine the role of this variant in disease. Therefore, it has been classified as a Variant of Uncertain Significance.

Molecular Diagnostics Laboratory, Catalan Institute of Oncology
Classification: Uncertain significance for Hereditary cancer-predisposing syndrome. Last evaluated: 2025-04-07. Review status: criteria provided, single submitter. Criteria: ACMG Guidelines, 2015. Collection method: clinical testing. Allele origin: germline.
Comment: PM2_supporting c.578T>C, located in exon 4 of the CHEK2 gene, is predicted to result in the substitution of Leucine by Proline at codon 193, p.(Leu193Pro). This variant is found in 2/268273 alleles at a frequency of 0.0007% in the gnomAD v2.1.1 database, non-cancer dataset (PM2_supporting). The SpliceAI algorithm predicts no significant impact on splicing and the REVEL meta-predictor score (0.37) for this variant is indeterminate regarding the effect that it may have on protein function according Pejaver 2022 thresholds (PMID: 36413997). Functional studies demonstrated intermediate impact on auto-phosphorylation, impaired kinase activity against KAP1, and reduced response to DNA damage (PMID: 37449874). It has been identified in individuals affected with breast cancer (PMID: 28779002, 29522266). It has been reported in ClinVar, as an uncertain significance variant. Based on the currently available information, c.578T>C is classified as an uncertain significance variant according to ACMG guidelines.

Ambry Genetics
Classification: Uncertain significance for Hereditary cancer-predisposing syndrome. Last evaluated: 2023-12-08. Review status: criteria provided, single submitter. Criteria: Ambry Variant Classification Scheme 2023. Collection method: clinical testing. Allele origin: germline.
Comment: The p.L193P variant (also known as c.578T>C), located in coding exon 3 of the CHEK2 gene, results from a T to C substitution at nucleotide position 578. The leucine at codon 193 is replaced by proline, an amino acid with similar properties. This alteration has been reported in 1/13087 breast cancer cases and in 0/5488 control individuals in the UK (Decker B et al. J Med Genet, 2017 11;54:732-741). This alteration was also detected in 1/5589 German BRCA1/2-negative probands with breast cancer (Hauke J et al. Cancer Med, 2018 Apr;7:1349-1358). In one study, this alteration was reported as functionally impaired for CHEK2-complementation through quantification of KAP1 phosphorylation and functionally intermediate for CHEK2-complementation through quantification of CHK2 autophosphorylation in human RPE1-CHEK2-knockout cells (Stolarova L et al. Clin Cancer Res, 2023 Aug;29:3037-3050). This amino acid position is poorly conserved in available vertebrate species. In addition, this alteration is predicted to be tolerated by in silico analysis. Since supporting evidence is limited at this time, the clinical significance of this alteration remains unclear.

GeneDx
Classification: Uncertain significance. Last evaluated: 2023-06-08. Review status: criteria provided, single submitter. Criteria: GeneDx Variant Classification Process June 2021. Collection method: clinical testing. Allele origin: germline. Affected: yes.
Comment: Not observed at significant frequency in large population cohorts (gnomAD); In silico analysis supports that this missense variant has a deleterious effect on protein structure/function; Observed in individual(s) with breast cancer (Decker et al., 2017); This variant is associated with the following publications: (PMID: 25318351, 27621404, 30851065, 31206626, 22419737, 19782031, Chavarri-Guerra2021[PosterAbstract], Ding2022[preprint], 32598223, 28779002)

CHEO Genetics Diagnostic Laboratory, Children's Hospital of Eastern Ontario
Classification: Uncertain significance for Breast and/or ovarian cancer. Last evaluated: 2023-05-23. Review status: criteria provided, single submitter. Criteria: ACMG Guidelines, 2015. Collection method: clinical testing. Allele origin: germline.

Color Diagnostics, LLC DBA Color Health
Classification: Uncertain significance for Hereditary cancer-predisposing syndrome. Last evaluated: 2022-04-19. Review status: criteria provided, single submitter. Criteria: ACMG Guidelines, 2015. Collection method: clinical testing. Allele origin: germline.
Comment: This missense variant replaces leucine with proline at codon 193 of the CHEK2 protein. Computational prediction suggests that this variant may not impact protein structure and function (internally defined REVEL score threshold <= 0.5, PMID: 27666373). To our knowledge, functional studies have not been reported for this variant. This variant has been reported in individuals affected with breast cancer (PMID: 28779002, 29522266, 33471991). This variant has been identified in 3/251400 chromosomes in the general population by the Genome Aggregation Database (gnomAD). The available evidence is insufficient to determine the role of this variant in disease conclusively. Therefore, this variant is classified as a Variant of Uncertain Significance.

Literature cited by the submitters: PubMed 29522266 (cited by 3 submitters); PubMed 28779002 (cited by Ambry Genetics and Color Diagnostics, LLC DBA Color Health); PubMed 37449874 (cited by Ambry Genetics); PubMed 33471991 (cited by Color Diagnostics, LLC DBA Color Health).